The following is an entry in ClinVar:

NM_001375567.1(FOCAD):c.1507C>G (p.Pro503Ala)

Gene: FOCAD (focadhesin; plus strand). Cytogenetic location: 9p21.3.
Variant type: single nucleotide variant.
Coding change: c.1507C>G on transcript NM_001375567.1 (MANE Select); coding-DNA position 1507, C replaced by G.
Protein change: p.Pro503Ala; replaces proline 503 with alanine.
Molecular consequence: missense variant. On other transcripts: intron variant (1).
Genome position (GRCh38, 1-based): chr9:20,819,847, C>G. VCF-style: chr9-20819847-C-G. GRCh37 (hg19) VCF-style: chr9-20819846-C-G.
Other names: c.1507C>G (NM_017794.3); c.1402C>G, p.Pro468Ala (NM_001375570.1); c.1507C>G, p.Pro503Ala (NM_017794.5); c.1456-477C>G (NM_001375568.1); short protein forms P468A, P503A.
Identifiers: ClinVar variation 3665930 (VCV003665930.3).
Genomic context (GRCh38, chr9:20,819,847, plus strand): 5'-TCATTTTAGGTGCCAAATCTGATTCCAGTTTTGATGTTCAAATTGGGAAGACCACTGGAA[C>G]CTATATTATATAATGATATATTGTATACTTTACCTAAGCTTGGTGTTCACAAGGTTAGTA-3'
Protein context (NP_001362496.1, residues 493-513): LMFKLGRPLE[Pro503Ala]ILYNDILYTL

ClinVar aggregate classification (germline): Uncertain significance. Review status: criteria provided, multiple submitters, no conflicts (2 of 4 stars). 2 submissions from 2 submitters: Uncertain significance (2). Last evaluated 2025-05-26.

Conditions:
Inborn genetic diseases. Identifiers: MedGen C0950123, MeSH D030342.

gnomAD v4.1: 28 of 1,544,588 alleles (0.0018%); highest among the groups gnomAD compares: Middle Eastern, 0.053%; no homozygotes.

Submissions (2):

Ambry Genetics
Classification: Uncertain significance for Inborn genetic diseases. Last evaluated: 2025-05-26. Review status: criteria provided, single submitter. Criteria: Ambry Variant Classification Scheme 2023. Collection method: clinical testing. Allele origin: germline.

Labcorp Genetics (formerly Invitae), Labcorp
Classification: Uncertain significance. Last evaluated: 2024-04-05. Review status: criteria provided, single submitter. Criteria: Invitae Variant Classification Sherloc (09022015). Collection method: clinical testing. Allele origin: germline.
Comment: This sequence change replaces proline, which is neutral and non-polar, with alanine, which is neutral and non-polar, at codon 503 of the FOCAD protein (p.Pro503Ala). This variant is present in population databases (rs753416369, gnomAD 0.03%). This variant has not been reported in the literature in individuals affected with FOCAD-related conditions. Experimental studies and prediction algorithms are not available or were not evaluated, and the functional significance of this variant is currently unknown. In summary, the available evidence is currently insufficient to determine the role of this variant in disease. Therefore, it has been classified as a Variant of Uncertain Significance.